The following is an entry in ClinVar:

NM_001040108.2(MLH3):c.953A>G (p.Asp318Gly)

Gene: MLH3 (mutL homolog 3; minus strand). Cytogenetic location: 14q24.3.
Variant type: single nucleotide variant.
Coding change: c.953A>G on transcript NM_001040108.2 (MANE Select); coding-DNA position 953, A replaced by G.
Protein change: p.Asp318Gly; replaces aspartic acid 318 with glycine.
Molecular consequence: missense variant.
Genome position (GRCh38, 1-based): chr14:75,048,703, T>C on the plus strand (A>G on the coding strand, the complement: MLH3 is on the minus strand). VCF-style: chr14-75048703-T-C. GRCh37 (hg19) VCF-style: chr14-75515406-T-C.
Other names: c.953A>G, p.Asp318Gly (NM_014381.3); short protein forms D318G.
Identifiers: ClinVar variation 5024544 (VCV005024544.1).

ClinVar aggregate classification (germline): Uncertain significance (1 of 4 stars; one submission).

Submission:

Ambry Genetics
Classification: Uncertain significance. Last evaluated: 2026-08-02. Review status: criteria provided, single submitter. Criteria: Ambry Variant Classification Scheme 2023. Collection method: clinical testing. Allele origin: germline.
Comment: The p.D318G variant (also known as c.953A>G), located in coding exon 1 of the MLH3 gene, results from an A to G substitution at nucleotide position 953. The aspartic acid at codon 318 is replaced by glycine, an amino acid with similar properties. This amino acid position is conserved. In addition, this alteration is predicted to be deleterious by in silico analysis. Based on the available evidence, the clinical significance of this variant remains unclear.